The following is an entry in ClinVar:

ClinVar aggregate classification (germline): Benign/Likely benign. Review status: criteria provided, multiple submitters, no conflicts (2 of 4 stars). 7 submissions from 7 submitters: Benign (5); Likely benign (2). Last evaluated 2026-06-01.

Allele frequency attached by ClinVar (database versions not stated): 1000 Genomes Project 0.00240; ExAC 0.00469; gnomAD 0.00409 and 0.00438; ESP Exome Variant Server 0.00680; 1000 Genomes Project 30x 0.00234; TOPMed 0.00517.
gnomAD v4.1: 8,793 of 1,613,842 alleles (0.54%); highest among the groups gnomAD compares: Middle Eastern, 2.4%; 42 homozygotes.

Submissions (7):

CeGaT Center for Human Genetics Tuebingen
Classification: Likely benign. Last evaluated: 2026-06-01. Review status: criteria provided, single submitter. Criteria: CeGaT Center For Human Genetics Tuebingen Variant Classification Criteria Version 2. Collection method: clinical testing. Allele origin: germline. Affected: yes. Observed: 11 variant alleles.
Comment: PCDH15: BP4, BP7, BS2

Labcorp Genetics (formerly Invitae), Labcorp
Classification: Benign. Last evaluated: 2026-01-15. Review status: criteria provided, single submitter. Criteria: Invitae Variant Classification Sherloc (09022015). Collection method: clinical testing. Allele origin: germline.

Blueprint Genetics
Classification: Likely benign. Last evaluated: 2024-11-19. Review status: criteria provided, single submitter. Criteria: ACMG Guidelines, 2015. Collection method: clinical testing. Allele origin: germline.

GeneDx
Classification: Benign. Last evaluated: 2018-10-16. Review status: criteria provided, single submitter. Criteria: GeneDx Variant Classification Process June 2021. Collection method: clinical testing. Allele origin: germline. Affected: yes.

Eurofins Ntd Llc (ga)
Classification: Benign. Last evaluated: 2016-05-31. Review status: criteria provided, single submitter. Criteria: EGL Classification Definitions 2015. Collection method: clinical testing. Allele origin: germline. Observed: 1 variant allele, 1 heterozygote.

Laboratory for Molecular Medicine, Mass General Brigham Personalized Medicine
Classification: Benign. Last evaluated: 2012-04-30. Review status: criteria provided, single submitter. Criteria: LMM Criteria. Collection method: clinical testing. Allele origin: germline. Observed: 26 variant alleles.
Comment: Ile1532Ile in Exon 37A of PCDH15: This variant is not expected to have clinical significance because it does not alter an amino acid residue, is not located wit hin the splice consensus sequence, and has been identified in 0.9% (50/5446) of European American chromosomes from a broad population by the NHLBI Exome Sequenc ing Project (dbSNP rs12359240).

Breakthrough Genomics
Classification: Benign. Review status: criteria provided, single submitter. Criteria: ACMG Guidelines, 2015. Collection method: not provided. Allele origin: germline. Inheritance: Autosomal recessive inheritance. Affected: yes.

NM_001384140.1(PCDH15):c.4671+1087C>T

Gene: PCDH15 (protocadherin related 15; minus strand). Cytogenetic location: 10q21.1.
Variant type: single nucleotide variant.
Coding change: c.4671+1087C>T on transcript NM_001384140.1 (MANE Select); 1087 bases into the intron after coding-DNA position 4671, C replaced by T.
Molecular consequence: intron variant. On other transcripts: synonymous variant (2), 3 prime UTR variant (1).
Genome position (GRCh38, 1-based): chr10:53,809,469, G>A on the plus strand (C>T on the coding strand, the complement: PCDH15 is on the minus strand). VCF-style: chr10-53809469-G-A. GRCh37 (hg19) VCF-style: chr10-55569229-G-A.
Other names: c.4596C>T, p.Ile1532= (NM_001142769.4); c.*11C>T (NM_001142770.3); c.4575C>T, p.Ile1525= (NM_001354411.2); c.4476+1087C>T (NM_001354420.2); c.4605+1087C>T (NM_001354429.2); c.4482+1087C>T (NM_001142772.2); c.4497+1087C>T (NM_001142771.2).
Identifiers: ClinVar variation 178516 (VCV000178516.45), dbSNP rs12359240, ClinGen allele CA182474.